The following is an entry in ClinVar:

NM_019032.6(ADAMTSL4):c.3128dup (p.Val1044fs)

Gene: ADAMTSL4 (ADAMTS like 4; plus strand). Cytogenetic location: 1q21.2.
Variant type: Duplication.
Coding change: c.3128dup on transcript NM_019032.6 (MANE Select); coding-DNA position 3128, one base duplicated (T; older notation c.3128dupT).
Protein change: p.Val1044fs; shifts the reading frame from valine 1044.
Molecular consequence: frameshift variant.
Genome position (GRCh38, 1-based): chr1:150,560,099, T duplicated. VCF-style (leftmost placement, unchanged base first): chr1-150560098-G-GT. GRCh37 (hg19) VCF-style: chr1-150532574-G-GT.
Other names: c.3011dup, p.Val1005fs (NM_001288607.2); c.3197dup, p.Val1067fs (NM_001288608.2); c.3128dup, p.Val1044fs (NM_001378596.1); short protein forms V1005fs, V1067fs, V1044fs.
Identifiers: ClinVar variation 2804245 (VCV002804245.3), dbSNP rs2526801099, ClinGen allele CA2739275283.
Genomic context (GRCh38, chr1:150,560,098, plus strand): 5'-CACTGGCCTCCTCTGTCCCCAGATGATCAATGCAAGGACAGCTCTCCACATTGCCCCCTG[G>GT]TGGTACAGGCCCGGCTCTGCGTCTACCCCTACTACACAGCCACCTGTTGCCGCTCTTGCG-3'

ClinVar aggregate classification (germline): Likely pathogenic (1 of 4 stars; one submission).

Submission:

Labcorp Genetics (formerly Invitae), Labcorp
Classification: Likely pathogenic. Last evaluated: 2024-01-02. Review status: criteria provided, single submitter. Criteria: Invitae Variant Classification Sherloc (09022015). Collection method: clinical testing. Allele origin: germline.
Comment: This sequence change results in a frameshift in the ADAMTSL4 gene (p.Val1044Glyfs*55). While this is not anticipated to result in nonsense mediated decay, it is expected to disrupt the last 31 amino acid(s) of the ADAMTSL4 protein and extend the protein by 23 additional amino acid residues. This variant is not present in population databases (gnomAD no frequency). This frameshift has been observed in individual(s) with clinical features of ectopia lentis (Invitae). In at least one individual the data is consistent with being in trans (on the opposite chromosome) from a pathogenic variant. This variant disrupts a region of the ADAMTSL4 protein in which other variant(s) (p.Tyr1054Cys) have been observed in individuals with ADAMTSL4-related conditions (PMID: 20564469). This suggests that this is a clinically significant region of the protein, and that variants that disrupt it are likely to be disease-causing. In summary, the currently available evidence indicates that the variant is pathogenic, but additional data are needed to prove that conclusively. Therefore, this variant has been classified as Likely Pathogenic.

Literature cited by the submitters: PubMed 20564469.